The following is an entry in ClinVar:

NM_007294.4(BRCA1):c.1622A>G (p.Gln541Arg)

Gene: BRCA1 (BRCA1 DNA repair associated; minus strand). Cytogenetic location: 17q21.31.
Variant type: single nucleotide variant.
Coding change: c.1622A>G on transcript NM_007294.4 (MANE Select); coding-DNA position 1622, A replaced by G.
Protein change: p.Gln541Arg; replaces glutamine 541 with arginine.
Molecular consequence: missense variant. On other transcripts: intron variant (137).
Genome position (GRCh38, 1-based): chr17:43,093,909, T>C on the plus strand (A>G on the coding strand, the complement: BRCA1 is on the minus strand). VCF-style: chr17-43093909-T-C. GRCh37 (hg19) VCF-style: chr17-41245926-T-C.
Other names: c.1478A>G, p.Gln493Arg (NM_001407849.1, NM_001407740.1, NM_001407741.1 and 20 more transcripts); c.1481A>G, p.Gln494Arg (NM_001407850.1, NM_001407851.1, NM_007297.4 and 29 more transcripts); c.1418A>G, p.Gln473Arg (NM_001407875.1, NM_001407874.1); c.1412A>G, p.Gln471Arg (NM_001407879.1, NM_001407881.1, NM_001407882.1 and 13 more transcripts); c.1409A>G, p.Gln470Arg (NM_001407915.1, NM_001407916.1, NM_001407917.1 and 9 more transcripts); c.1355A>G, p.Gln452Arg (NM_001407932.1, NM_001407934.1, NM_001407936.1 and 2 more transcripts); c.1358A>G, p.Gln453Arg (NM_001407933.1, NM_001407935.1, NM_001407920.1 and 9 more transcripts); c.1499A>G, p.Gln500Arg (NM_001407937.1, NM_001407919.1, NM_001407938.1 and 19 more transcripts); and 40 more; short protein forms Q541R, Q494R, Q452R, Q453R, Q470R, Q515R, Q538R, Q373R.
Identifiers: ClinVar variation 1497130 (VCV001497130.11), dbSNP rs2154433518, ClinGen allele CA10598798.

ClinVar aggregate classification (germline): Conflicting classifications of pathogenicity. Review status: criteria provided, conflicting classifications (1 of 4 stars). 2 submissions from 2 submitters: Uncertain significance (1); Likely benign (1). Last evaluated 2023-03-23.

Conditions:
Hereditary cancer-predisposing syndrome. Also called: Tumor predisposition; Hereditary neoplastic syndrome; Neoplastic Syndromes, Hereditary; Hereditary Cancer Syndrome. Identifiers: Orphanet 140162, MedGen C0027672, MeSH D009386, MONDO:0015356.
Hereditary breast ovarian cancer syndrome. Also called: BRCA1- and BRCA2-Associated Hereditary Breast and Ovarian Cancer; Hereditary breast and ovarian cancer; Hereditary breast and/or ovarian cancer syndrome; Hereditary breast and ovarian cancer syndrome; Hereditary breast and ovarian cancer syndrome (HBOC); Breast and ovarian cancer. Identifiers: Orphanet 145, MedGen C0677776, MeSH D061325, MONDO:0003582. Disease mechanism: loss of function.

Submissions (2):

University of Washington Department of Laboratory Medicine, University of Washington
Classification: Likely benign for Hereditary cancer-predisposing syndrome. Last evaluated: 2023-03-23. Review status: criteria provided, single submitter. Criteria: Dines et al. (Genet Med. 2020). Collection method: curation. Allele origin: germline.
Comment: Missense variant in a coldspot region where missense variants are very unlikely to be pathogenic (PMID:31911673).

BRCA1 coldspot (exon 11 using historical exon numbering). Reclassification based on statistical prior probability

Labcorp Genetics (formerly Invitae), Labcorp
Classification: Uncertain significance for Hereditary breast ovarian cancer syndrome. Last evaluated: 2020-11-06. Review status: criteria provided, single submitter. Criteria: Invitae Variant Classification Sherloc (09022015). Collection method: clinical testing. Allele origin: germline.
Comment: Advanced modeling of protein sequence and biophysical properties (such as structural, functional, and spatial information, amino acid conservation, physicochemical variation, residue mobility, and thermodynamic stability) performed at Invitae indicates that this missense variant is not expected to disrupt BRCA1 protein function. This sequence change replaces glutamine with arginine at codon 541 of the BRCA1 protein (p.Gln541Arg). The glutamine residue is moderately conserved and there is a small physicochemical difference between glutamine and arginine. This variant is not present in population databases (ExAC no frequency). This variant has been observed in individual(s) with breast and/or ovarian cancer (PMID: 29470806). In summary, the available evidence is currently insufficient to determine the role of this variant in disease. Therefore, it has been classified as a Variant of Uncertain Significance.

Literature cited by the submitters: PubMed 29470806 (cited by Labcorp Genetics (formerly Invitae), Labcorp).